The following is an entry in ClinVar:

ClinVar aggregate classification (germline): Conflicting classifications of pathogenicity. Review status: criteria provided, conflicting classifications (1 of 4 stars). 4 submissions from 4 submitters: Uncertain significance (1); Likely benign (3). Last evaluated 2025-08-24.

Conditions:
Myopathy, centronuclear, 2 (CNM2). Also called: MYOTUBULAR MYOPATHY, AUTOSOMAL RECESSIVE. Identifiers: Orphanet 169186, MedGen CN031787, MONDO:0009709, OMIM 255200.
BIN1-related disorder. Also called: BIN1-related condition.

Allele frequency attached by ClinVar (database versions not stated): gnomAD 0.00001 and 0.00002; gnomAD exomes 0.00001; TOPMed 0.00003.
gnomAD v4.1: 28 of 1,613,978 alleles (0.0017%); highest among the groups gnomAD compares: African/African-American, 0.019%; no homozygotes.

Submissions (4):

Labcorp Genetics (formerly Invitae), Labcorp
Classification: Likely benign for Myopathy, centronuclear, 2. Last evaluated: 2025-08-24. Review status: criteria provided, single submitter. Criteria: Invitae Variant Classification Sherloc (09022015). Collection method: clinical testing. Allele origin: germline.

CeGaT Center for Human Genetics Tuebingen
Classification: Likely benign. Last evaluated: 2025-05-01. Review status: criteria provided, single submitter. Criteria: CeGaT Center For Human Genetics Tuebingen Variant Classification Criteria Version 2. Collection method: clinical testing. Allele origin: germline. Affected: yes. Observed: 2 variant alleles.
Comment: BIN1: BP4, BP7

PreventionGenetics, part of Exact Sciences
Classification: Uncertain significance for BIN1-related condition. Last evaluated: 2025-01-29. Review status: criteria provided, single submitter. Criteria: ACMG Guidelines, 2015. Collection method: clinical testing. Allele origin: germline.
Comment: The BIN1 c.393C>T variant is not predicted to result in an amino acid change (p.=). This variant is predicted to alter splicing based on available splicing prediction software (SpliceAI, Jaganathan et al. 2019. PubMed ID: 30661751). However, the use of computer prediction softwares is not equivalent to functional evidence. To our knowledge, this variant has not been reported in the literature or in a large population database (gnomAD), indicating this variant is rare. At this time, the clinical significance of this variant is uncertain due to the absence of conclusive functional and genetic evidence.

Blueprint Genetics
Classification: Likely benign. Last evaluated: 2023-07-11. Review status: criteria provided, single submitter. Criteria: ACMG Guidelines, 2015. Collection method: clinical testing. Allele origin: germline.

NM_139343.3(BIN1):c.393C>T (p.Gly131=)

Gene: BIN1 (bridging integrator 1; minus strand). Cytogenetic location: 2q14.3.
Variant type: single nucleotide variant.
Coding change: c.393C>T on transcript NM_139343.3 (MANE Select); coding-DNA position 393, C replaced by T.
Protein change: p.Gly131=; no amino-acid change (glycine 131 retained).
Molecular consequence: synonymous variant.
Genome position (GRCh38, 1-based): chr2:127,070,013, G>A on the plus strand (C>T on the coding strand, the complement: BIN1 is on the minus strand). VCF-style: chr2-127070013-G-A. GRCh37 (hg19) VCF-style: chr2-127827589-G-A.
Other names: c.393C>T, p.Gly131= (NM_001320632.2, NM_001320633.2, NM_001320640.2 and 10 more transcripts); c.321C>T, p.Gly107= (NM_001320634.1); c.312C>T, p.Gly104= (NM_001320642.1).
Identifiers: ClinVar variation 573773 (VCV000573773.35), dbSNP rs1455926606, ClinGen allele CA428589741.